The following is an entry in ClinVar:

NM_024529.5(CDC73):c.721A>G (p.Thr241Ala)

Gene: CDC73 (cell division cycle 73; plus strand). Cytogenetic location: 1q31.2.
Variant type: single nucleotide variant.
Coding change: c.721A>G on transcript NM_024529.5 (MANE Select); coding-DNA position 721, A replaced by G.
Protein change: p.Thr241Ala; replaces threonine 241 with alanine.
Molecular consequence: missense variant.
Genome position (GRCh38, 1-based): chr1:193,142,058, A>G. VCF-style: chr1-193142058-A-G. GRCh37 (hg19) VCF-style: chr1-193111188-A-G.
Other names: short protein forms T241A.
Identifiers: ClinVar variation 826912 (VCV000826912.15), dbSNP rs1572154890, ClinGen allele CA343962843.

ClinVar aggregate classification (germline): Uncertain significance. Review status: criteria provided, multiple submitters, no conflicts (2 of 4 stars). 3 submissions from 3 submitters: Uncertain significance (3). Last evaluated 2025-10-05.

Conditions:
Hereditary cancer-predisposing syndrome. Also called: Neoplastic Syndromes, Hereditary; Tumor predisposition; Hereditary neoplastic syndrome; Hereditary Cancer Syndrome. Identifiers: Orphanet 140162, MedGen C0027672, MeSH D009386, MONDO:0015356.
Parathyroid carcinoma (PRTC). Also called: CDC73-Related Parathyroid Carcinoma; Parathyroid gland carcinoma. Identifiers: Orphanet 143, MedGen C0687150, MONDO:0012004, OMIM 608266, HP:0006780.

gnomAD v4.1: 1 of 1,611,494 alleles (0.000062%); highest among the groups gnomAD compares: Non-Finnish European, 0.000085%; no homozygotes.

Submissions (3):

Labcorp Genetics (formerly Invitae), Labcorp
Classification: Uncertain significance for Parathyroid carcinoma. Last evaluated: 2025-10-05. Review status: criteria provided, single submitter. Criteria: Invitae Variant Classification Sherloc (09022015). Collection method: clinical testing. Allele origin: germline.
Comment: This sequence change replaces threonine, which is neutral and polar, with alanine, which is neutral and non-polar, at codon 241 of the CDC73 protein (p.Thr241Ala). This variant is not present in population databases (gnomAD no frequency). This variant has not been reported in the literature in individuals affected with CDC73-related conditions. ClinVar contains an entry for this variant (Variation ID: 826912). Invitae Evidence Modeling of protein sequence and biophysical properties (such as structural, functional, and spatial information, amino acid conservation, physicochemical variation, residue mobility, and thermodynamic stability) indicates that this missense variant is not expected to disrupt CDC73 protein function with a negative predictive value of 80%. In summary, the available evidence is currently insufficient to determine the role of this variant in disease. Therefore, it has been classified as a Variant of Uncertain Significance.

Ambry Genetics
Classification: Uncertain significance for Hereditary cancer-predisposing syndrome. Last evaluated: 2024-06-30. Review status: criteria provided, single submitter. Criteria: Ambry Variant Classification Scheme 2023. Collection method: clinical testing. Allele origin: germline.
Comment: The p.T241A variant (also known as c.721A>G), located in coding exon 7 of the CDC73 gene, results from an A to G substitution at nucleotide position 721. The threonine at codon 241 is replaced by alanine, an amino acid with similar properties. This amino acid position is well conserved in available vertebrate species. In addition, this alteration is predicted to be tolerated by in silico analysis. Since supporting evidence is limited at this time, the clinical significance of this alteration remains unclear.

GeneDx
Classification: Uncertain significance. Last evaluated: 2022-11-14. Review status: criteria provided, single submitter. Criteria: GeneDx Variant Classification Process June 2021. Collection method: clinical testing. Allele origin: germline. Affected: yes.
Comment: Not observed at significant frequency in large population cohorts (gnomAD); In silico analysis supports that this missense variant does not alter protein structure/function; Has not been previously published as pathogenic or benign to our knowledge; This variant is associated with the following publications: (PMID: 16630820, 15632063)